The following is an entry in ClinVar:

ClinVar aggregate classification (germline): Uncertain significance (1 of 4 stars; one submission).

gnomAD v4.1: 2 of 1,614,172 alleles (0.00012%); highest among the groups gnomAD compares: Admixed American, 0.0033%; no homozygotes.

Submission:

Labcorp Genetics (formerly Invitae), Labcorp
Classification: Uncertain significance. Last evaluated: 2024-09-10. Review status: criteria provided, single submitter. Criteria: Invitae Variant Classification Sherloc (09022015). Collection method: clinical testing. Allele origin: germline.
Comment: This sequence change replaces glutamic acid, which is acidic and polar, with alanine, which is neutral and non-polar, at codon 456 of the SETBP1 protein (p.Glu456Ala). This variant is present in population databases (rs778418773, gnomAD 0.006%). This variant has not been reported in the literature in individuals affected with SETBP1-related conditions. Invitae Evidence Modeling of protein sequence and biophysical properties (such as structural, functional, and spatial information, amino acid conservation, physicochemical variation, residue mobility, and thermodynamic stability) indicates that this missense variant is not expected to disrupt SETBP1 protein function with a negative predictive value of 80%. In summary, the available evidence is currently insufficient to determine the role of this variant in disease. Therefore, it has been classified as a Variant of Uncertain Significance.

NM_015559.3(SETBP1):c.1367A>C (p.Glu456Ala)

Gene: SETBP1 (SET binding protein 1; plus strand). Cytogenetic location: 18q12.3.
Variant type: single nucleotide variant.
Coding change: c.1367A>C on transcript NM_015559.3 (MANE Select); coding-DNA position 1367, A replaced by C.
Protein change: p.Glu456Ala; replaces glutamic acid 456 with alanine.
Molecular consequence: missense variant.
Genome position (GRCh38, 1-based): chr18:44,950,707, A>C. VCF-style: chr18-44950707-A-C. GRCh37 (hg19) VCF-style: chr18-42530672-A-C.
Other names: c.1367A>C, p.Glu456Ala (NM_001379141.1, NM_001379142.1, NM_001410862.1); short protein forms E456A.
Identifiers: ClinVar variation 3708352 (VCV003708352.2).